The following is an entry in ClinVar:

ClinVar aggregate classification (germline): Uncertain significance (1 of 4 stars; one submission).

Conditions:
BBS12-related disorder. Also called: BBS12-related condition.

gnomAD v4.1: 1 of 1,613,922 alleles (0.000062%); highest among the groups gnomAD compares: South Asian, 0.0011%; no homozygotes.

Submission:

PreventionGenetics, part of Exact Sciences
Classification: Uncertain significance for BBS12-related condition. Last evaluated: 2024-10-07. Review status: criteria provided, single submitter. Criteria: ACMG Guidelines, 2015. Collection method: clinical testing. Allele origin: germline.
Comment: The BBS12 c.280G>C variant is predicted to result in the amino acid substitution p.Ala94Pro. To our knowledge, this variant has not been reported in the literature or in a large population database (gnomAD), indicating this variant is rare. At this time, the clinical significance of this variant is uncertain due to the absence of conclusive functional and genetic evidence.

NM_152618.3(BBS12):c.280G>C (p.Ala94Pro)

Gene: BBS12 (Bardet-Biedl syndrome 12; plus strand). Cytogenetic location: 4q27.
Variant type: single nucleotide variant.
Coding change: c.280G>C on transcript NM_152618.3 (MANE Select); coding-DNA position 280, G replaced by C.
Protein change: p.Ala94Pro; replaces alanine 94 with proline.
Molecular consequence: missense variant.
Genome position (GRCh38, 1-based): chr4:122,742,172, G>C. VCF-style: chr4-122742172-G-C. GRCh37 (hg19) VCF-style: chr4-123663327-G-C.
Other names: c.280G>C, p.Ala94Pro (NM_001178007.2); short protein forms A94P.
Identifiers: ClinVar variation 4982963 (VCV004982963.1).